The following is an entry in ClinVar:

ClinVar aggregate classification (germline): Uncertain significance (1 of 4 stars; one submission).

Submission:

Labcorp Genetics (formerly Invitae), Labcorp
Classification: Uncertain significance. Last evaluated: 2024-05-23. Review status: criteria provided, single submitter. Criteria: Invitae Variant Classification Sherloc (09022015). Collection method: clinical testing. Allele origin: germline.
Comment: This sequence change replaces proline, which is neutral and non-polar, with leucine, which is neutral and non-polar, at codon 1822 of the ARID1A protein (p.Pro1822Leu). This variant is not present in population databases (gnomAD no frequency). This variant has not been reported in the literature in individuals affected with ARID1A-related conditions. Advanced modeling of protein sequence and biophysical properties (such as structural, functional, and spatial information, amino acid conservation, physicochemical variation, residue mobility, and thermodynamic stability) performed at Invitae indicates that this missense variant is not expected to disrupt ARID1A protein function with a negative predictive value of 95%. In summary, the available evidence is currently insufficient to determine the role of this variant in disease. Therefore, it has been classified as a Variant of Uncertain Significance.

NM_006015.6(ARID1A):c.5465C>T (p.Pro1822Leu)

Gene: ARID1A (AT-rich interaction domain 1A; plus strand). Cytogenetic location: 1p36.11.
Variant type: single nucleotide variant.
Coding change: c.5465C>T on transcript NM_006015.6 (MANE Select); coding-DNA position 5465, C replaced by T.
Protein change: p.Pro1822Leu; replaces proline 1822 with leucine.
Molecular consequence: missense variant.
Genome position (GRCh38, 1-based): chr1:26,779,363, C>T. VCF-style: chr1-26779363-C-T. GRCh37 (hg19) VCF-style: chr1-27105854-C-T.
Other names: c.4814C>T, p.Pro1605Leu (NM_139135.4); short protein forms P1605L, P1822L.
Identifiers: ClinVar variation 3603773 (VCV003603773.2).